The following is an entry in ClinVar:

NM_017852.5(NLRP2):c.2201+456G>A

Gene: NLRP2 (NLR family pyrin domain containing 2; plus strand). Cytogenetic location: 19q13.42.
Variant type: single nucleotide variant.
Coding change: c.2201+456G>A on transcript NM_017852.5 (MANE Select); 456 bases into the intron after coding-DNA position 2201, G replaced by A.
Molecular consequence: intron variant.
Genome position (GRCh38, 1-based): chr19:54,985,673, G>A. VCF-style: chr19-54985673-G-A. GRCh37 (hg19) VCF-style: chr19-55497041-G-A.
Other names: c.2201+456G>A (NM_001174081.3); c.2192+456G>A (NM_001348003.2); c.2135+456G>A (NM_001174082.3); c.2132+456G>A (NM_001174083.2).
Identifiers: ClinVar variation 103055 (VCV000103055.2), dbSNP rs199475721, ClinGen allele CA230038.

ClinVar aggregate classification (germline): not provided (0 of 4 stars; one submission).

Allele frequency attached by ClinVar (database versions not stated): gnomAD 0.00006 and 0.00014; 1000 Genomes Project 30x 0.00078.
gnomAD v4.1: 14 of 104,694 alleles (0.013%); highest among the groups gnomAD compares: South Asian, 0.2%; no homozygotes.

Submission:

Human Evolutionary Genetics, Institut Pasteur
No classification provided. Review status: no classification provided. Collection method: not provided. Allele origin: germline.
ClinVar note: Converted during submission from untested to not provided.